The following is an entry in ClinVar:

NM_014956.5(CEP164):c.4100G>T (p.Gly1367Val)

Gene: CEP164 (centrosomal protein 164; plus strand). Cytogenetic location: 11q23.3.
Variant type: single nucleotide variant.
Coding change: c.4100G>T on transcript NM_014956.5 (MANE Select); coding-DNA position 4100, G replaced by T.
Protein change: p.Gly1367Val; replaces glycine 1367 with valine.
Molecular consequence: missense variant.
Genome position (GRCh38, 1-based): chr11:117,410,831, G>T. VCF-style: chr11-117410831-G-T. GRCh37 (hg19) VCF-style: chr11-117281547-G-T.
Other names: c.4085G>T, p.Gly1362Val (NM_001271933.2); short protein forms G1362V, G1367V.
Identifiers: ClinVar variation 2119926 (VCV002119926.1), dbSNP rs932133214, ClinGen allele CA229375783.

ClinVar aggregate classification (germline): Uncertain significance (1 of 4 stars; one submission).

Conditions:
Nephronophthisis 15 (NPHP15). Identifiers: Orphanet 3156, MedGen C3541853, MONDO:0013917, OMIM 614845.

Allele frequency attached by ClinVar (database versions not stated): gnomAD exomes below 0.00001.
gnomAD v4.1: 1 of 1,612,228 alleles (0.000062%); highest among the groups gnomAD compares: Non-Finnish European, 0.000085%; no homozygotes.

Submission:

Labcorp Genetics (formerly Invitae), Labcorp
Classification: Uncertain significance for Nephronophthisis 15. Last evaluated: 2022-08-19. Review status: criteria provided, single submitter. Criteria: Invitae Variant Classification Sherloc (09022015). Collection method: clinical testing. Allele origin: germline.
Comment: This sequence change replaces glycine, which is neutral and non-polar, with valine, which is neutral and non-polar, at codon 1367 of the CEP164 protein (p.Gly1367Val). This variant is not present in population databases (gnomAD no frequency). This variant has not been reported in the literature in individuals affected with CEP164-related conditions. Algorithms developed to predict the effect of missense changes on protein structure and function (SIFT, PolyPhen-2, Align-GVGD) all suggest that this variant is likely to be disruptive. In summary, the available evidence is currently insufficient to determine the role of this variant in disease. Therefore, it has been classified as a Variant of Uncertain Significance.